The following is an entry in ClinVar:

ClinVar aggregate classification (germline): Uncertain significance (1 of 4 stars; one submission).

Conditions:
Duchenne muscular dystrophy (DMD). Also called: MUSCULAR DYSTROPHY, PSEUDOHYPERTROPHIC PROGRESSIVE, DUCHENNE TYPE; Duchenne Muscular Dystrophy (DMD). Identifiers: Orphanet 98896, MedGen C0013264, MONDO:0010679, OMIM 310200.

Submission:

Labcorp Genetics (formerly Invitae), Labcorp
Classification: Uncertain significance for Duchenne muscular dystrophy. Last evaluated: 2023-09-10. Review status: criteria provided, single submitter. Criteria: Invitae Variant Classification Sherloc (09022015). Collection method: clinical testing. Allele origin: germline.
Comment: ClinVar contains an entry for this variant (Variation ID: 1378154). Advanced modeling of protein sequence and biophysical properties (such as structural, functional, and spatial information, amino acid conservation, physicochemical variation, residue mobility, and thermodynamic stability) performed at Invitae indicates that this missense variant is not expected to disrupt DMD protein function. In summary, the available evidence is currently insufficient to determine the role of this variant in disease. Therefore, it has been classified as a Variant of Uncertain Significance. This variant is not present in population databases (gnomAD no frequency). This sequence change replaces threonine, which is neutral and polar, with serine, which is neutral and polar, at codon 640 of the DMD protein (p.Thr640Ser). This variant has not been reported in the literature in individuals affected with DMD-related conditions.

NM_004006.3(DMD):c.1918A>T (p.Thr640Ser)

Gene: DMD (dystrophin; minus strand). Cytogenetic location: Xp21.1.
Variant type: single nucleotide variant.
Coding change: c.1918A>T on transcript NM_004006.3 (MANE Select); coding-DNA position 1918, A replaced by T.
Protein change: p.Thr640Ser; replaces threonine 640 with serine.
Molecular consequence: missense variant.
Genome position (GRCh38, 1-based): chrX:32,565,776, T>A on the plus strand (A>T on the coding strand, the complement: DMD is on the minus strand). VCF-style: chrX-32565776-T-A. GRCh37 (hg19) VCF-style: chrX-32583893-T-A.
Other names: c.1894A>T, p.Thr632Ser (NM_000109.4); c.1906A>T, p.Thr636Ser (NM_004009.3); c.1549A>T, p.Thr517Ser (NM_004010.3); short protein forms T632S, T636S, T640S, T517S.
Identifiers: ClinVar variation 1378154 (VCV001378154.6), dbSNP rs2149094920, ClinGen allele CA412672579.